The following is an entry in ClinVar:

NM_014679.5(CEP57):c.197G>A (p.Ser66Asn)

Gene: CEP57 (centrosomal protein 57; plus strand). Cytogenetic location: 11q21.
Variant type: single nucleotide variant.
Coding change: c.197G>A on transcript NM_014679.5 (MANE Select); coding-DNA position 197, G replaced by A.
Protein change: p.Ser66Asn; replaces serine 66 with asparagine.
Molecular consequence: missense variant.
Genome position (GRCh38, 1-based): chr11:95,799,383, G>A. VCF-style: chr11-95799383-G-A. GRCh37 (hg19) VCF-style: chr11-95532547-G-A.
Other names: c.116G>A, p.Ser39Asn (NM_001363604.2, NM_001440869.1, NM_001440870.1 and 4 more transcripts); c.197G>A, p.Ser66Asn (NM_001440871.1, NM_001440872.1, NM_001440873.1 and 6 more transcripts); c.170G>A, p.Ser57Asn (NM_001243776.2); short protein forms S39N, S66N, S57N.
Identifiers: ClinVar variation 5034378 (VCV005034378.1).

ClinVar aggregate classification (germline): Uncertain significance (1 of 4 stars; one submission).

Conditions:
Inborn genetic diseases. Identifiers: MedGen C0950123, MeSH D030342.

gnomAD v4.1: 1 of 1,613,916 alleles (0.000062%); highest among the groups gnomAD compares: Non-Finnish European, 0.000085%; no homozygotes.

Submission:

Ambry Genetics
Classification: Uncertain significance for Inborn genetic diseases. Last evaluated: 2026-07-30. Review status: criteria provided, single submitter. Criteria: Ambry Variant Classification Scheme 2023. Collection method: clinical testing. Allele origin: germline.
Comment: The p.S66N variant (also known as c.197G>A), located in coding exon 2 of the CEP57 gene, results from a G to A substitution at nucleotide position 197. The serine at codon 66 is replaced by asparagine, an amino acid with highly similar properties. This amino acid position is conserved. In addition, this alteration is predicted to be tolerated by in silico analysis. Based on the available evidence, the clinical significance of this variant remains unclear.